The following is an entry in ClinVar:

NM_003823.4(TNFRSF6B):c.512A>G (p.His171Arg)

Genes: RTEL1-TNFRSF6B (RTEL1-TNFRSF6B readthrough (NMD candidate); plus strand), TNFRSF6B (TNF receptor superfamily member 6b; plus strand). Cytogenetic location: 20q13.33.
Variant type: single nucleotide variant.
Coding change: c.512A>G on transcript NM_003823.4 (MANE Select); coding-DNA position 512, A replaced by G.
Protein change: p.His171Arg; replaces histidine 171 with arginine.
Molecular consequence: missense variant. On other transcripts: non-coding transcript variant (1).
Genome position (GRCh38, 1-based): chr20:63,697,415, A>G. VCF-style: chr20-63697415-A-G. GRCh37 (hg19) VCF-style: chr20-62328768-A-G.
Other names: short protein forms H171R.
Identifiers: ClinVar variation 2870793 (VCV002870793.3), dbSNP rs2091005942, ClinGen allele CA409711616.

ClinVar aggregate classification (germline): Uncertain significance (1 of 4 stars; one submission).

Allele frequency attached by ClinVar (database versions not stated): gnomAD exomes below 0.00001.

Submission:

Labcorp Genetics (formerly Invitae), Labcorp
Classification: Uncertain significance. Last evaluated: 2024-09-04. Review status: criteria provided, single submitter. Criteria: Invitae Variant Classification Sherloc (09022015). Collection method: clinical testing. Allele origin: germline.
Comment: This sequence change replaces histidine, which is basic and polar, with arginine, which is basic and polar, at codon 171 of the TNFRSF6B protein (p.His171Arg). This variant is not present in population databases (gnomAD no frequency). This variant has not been reported in the literature in individuals affected with TNFRSF6B-related conditions. An algorithm developed to predict the effect of missense changes on protein structure and function (PolyPhen-2) suggests that this variant is likely to be disruptive. In summary, the available evidence is currently insufficient to determine the role of this variant in disease. Therefore, it has been classified as a Variant of Uncertain Significance.